The following is an entry in ClinVar:

ClinVar aggregate classification (germline): Uncertain significance. Review status: criteria provided, multiple submitters, no conflicts (2 of 4 stars). 2 submissions from 2 submitters: Uncertain significance (2). Last evaluated 2025-05-12.

Allele frequency attached by ClinVar (database versions not stated): gnomAD exomes below 0.00001.
gnomAD v4.1: 4 of 1,588,268 alleles (0.00025%); highest among the groups gnomAD compares: Middle Eastern, 0.019%; no homozygotes.

Submissions (2):

Labcorp Genetics (formerly Invitae), Labcorp
Classification: Uncertain significance. Last evaluated: 2025-05-12. Review status: criteria provided, single submitter. Criteria: Invitae Variant Classification Sherloc (09022015). Collection method: clinical testing. Allele origin: germline.
Comment: This sequence change replaces cysteine, which is neutral and slightly polar, with tyrosine, which is neutral and polar, at codon 1961 of the OTOGL protein (p.Cys1961Tyr). This variant is not present in population databases (gnomAD no frequency). This variant has not been reported in the literature in individuals affected with OTOGL-related conditions. ClinVar contains an entry for this variant (Variation ID: 1970728). An algorithm developed to predict the effect of missense changes on protein structure and function (PolyPhen-2) suggests that this variant is likely to be disruptive. In summary, the available evidence is currently insufficient to determine the role of this variant in disease. Therefore, it has been classified as a Variant of Uncertain Significance.

Blueprint Genetics
Classification: Uncertain significance. Last evaluated: 2024-08-13. Review status: criteria provided, single submitter. Criteria: ACMG Guidelines, 2015. Collection method: clinical testing. Allele origin: germline.

NM_001378609.3(OTOGL):c.5909G>A (p.Cys1970Tyr)

Gene: OTOGL (otogelin like; plus strand). Cytogenetic location: 12q21.31.
Variant type: single nucleotide variant.
Coding change: c.5909G>A on transcript NM_001378609.3 (MANE Select); coding-DNA position 5909, G replaced by A.
Protein change: p.Cys1970Tyr; replaces cysteine 1970 with tyrosine.
Molecular consequence: missense variant.
Genome position (GRCh38, 1-based): chr12:80,356,518, G>A. VCF-style: chr12-80356518-G-A. GRCh37 (hg19) VCF-style: chr12-80750298-G-A.
Other names: c.5774G>A, p.Cys1925Tyr (NM_001368062.3); c.5909G>A, p.Cys1970Tyr (NM_001378610.3, NM_173591.7); short protein forms C1970Y, C1925Y.
Identifiers: ClinVar variation 1970728 (VCV001970728.6), dbSNP rs2541404065, ClinGen allele CA385888016.